The following is an entry in ClinVar:

ClinVar aggregate classification (germline): Uncertain significance (1 of 4 stars; one submission).

gnomAD v4.1: 1 of 1,608,390 alleles (0.000062%); no homozygotes.

Submission:

Dasa
Classification: Uncertain significance. Last evaluated: 2025-01-08. Review status: criteria provided, single submitter. Criteria: DASA Assertion Criteria. Collection method: clinical testing. Allele origin: germline.
Comment: NM_006618.5(KDM5B):c.1229T>G (p.Phe410Cys) is a missense variant that results in the substitution of phenylalanine with cysteine. This variant is rare in population databases. Computational prediction algorithms are consistent with a deleterious effect. The currently available literature and clinical evidence are not sufficient to establish a definitive association between this variant and the reported condition. Therefore, this variant is classified as a variant of uncertain significance.

NM_006618.5(KDM5B):c.1229T>G (p.Phe410Cys)

Gene: KDM5B (lysine demethylase 5B; minus strand). Cytogenetic location: 1q32.1.
Variant type: single nucleotide variant.
Coding change: c.1229T>G on transcript NM_006618.5 (MANE Select); coding-DNA position 1229, T replaced by G.
Protein change: p.Phe410Cys; replaces phenylalanine 410 with cysteine.
Molecular consequence: missense variant.
Genome position (GRCh38, 1-based): chr1:202,756,485, A>C on the plus strand (T>G on the coding strand, the complement: KDM5B is on the minus strand). VCF-style: chr1-202756485-A-C. GRCh37 (hg19) VCF-style: chr1-202725613-A-C.
Other names: c.1337T>G, p.Phe446Cys (NM_001314042.2); c.1094T>G, p.Phe365Cys (NM_001347591.2); c.1214T>G, p.Phe405Cys (NM_001399817.1); short protein forms F365C, F405C, F410C, F446C.
Identifiers: ClinVar variation 4881576 (VCV004881576.2).